The following is an entry in ClinVar:

ClinVar aggregate classification (germline): Uncertain significance (1 of 4 stars; one submission).

Submission:

Ambry Genetics
Classification: Uncertain significance. Last evaluated: 2024-02-28. Review status: criteria provided, single submitter. Criteria: Ambry Variant Classification Scheme 2023. Collection method: clinical testing. Allele origin: germline.
Comment: The p.H301D variant (also known as c.901C>G), located in coding exon 9 of the BUB1 gene, results from a C to G substitution at nucleotide position 901. The histidine at codon 301 is replaced by aspartic acid, an amino acid with similar properties. This amino acid position is conserved. In addition, this alteration is predicted to be tolerated by in silico analysis. Based on the available evidence, the clinical significance of this alteration remains unclear.

NM_004336.5(BUB1):c.901C>G (p.His301Asp)

Gene: BUB1 (BUB1 mitotic checkpoint serine/threonine kinase; minus strand). Cytogenetic location: 2q13.
Variant type: single nucleotide variant.
Coding change: c.901C>G on transcript NM_004336.5 (MANE Select); coding-DNA position 901, C replaced by G.
Protein change: p.His301Asp; replaces histidine 301 with aspartic acid.
Molecular consequence: missense variant.
Genome position (GRCh38, 1-based): chr2:110,666,319, G>C on the plus strand (C>G on the coding strand, the complement: BUB1 is on the minus strand). VCF-style: chr2-110666319-G-C. GRCh37 (hg19) VCF-style: chr2-111423896-G-C.
Other names: c.841C>G, p.His281Asp (NM_001278616.2); c.901C>G, p.His301Asp (NM_001278617.2); short protein forms H281D, H301D.
Identifiers: ClinVar variation 3224126 (VCV003224126.1), dbSNP rs1690255596, ClinGen allele CA348216473.